The following is an entry in ClinVar:

ClinVar aggregate classification (germline): Uncertain significance (1 of 4 stars; one submission).

Conditions:
TNC-related disorder. Also called: TNC-related condition.

Submission:

PreventionGenetics, part of Exact Sciences
Classification: Uncertain significance for TNC-related condition. Last evaluated: 2022-10-24. Review status: criteria provided, single submitter. Criteria: ACMG Guidelines, 2015. Collection method: clinical testing. Allele origin: germline.
Comment: The TNC c.2278A>G variant is predicted to result in the amino acid substitution p.Ser760Gly. To our knowledge, this variant has not been reported in the literature or in a large population database, indicating this variant is rare. At this time, the clinical significance of this variant is uncertain due to the absence of conclusive functional and genetic evidence.

NM_002160.4(TNC):c.2278A>G (p.Ser760Gly)

Gene: TNC (tenascin C; minus strand). Cytogenetic location: 9q33.1.
Variant type: single nucleotide variant.
Coding change: c.2278A>G on transcript NM_002160.4 (MANE Select); coding-DNA position 2278, A replaced by G.
Protein change: p.Ser760Gly; replaces serine 760 with glycine.
Molecular consequence: missense variant.
Genome position (GRCh38, 1-based): chr9:115,081,898, T>C on the plus strand (A>G on the coding strand, the complement: TNC is on the minus strand). VCF-style: chr9-115081898-T-C. GRCh37 (hg19) VCF-style: chr9-117844177-T-C.
Other names: c.2278A>G, p.Ser760Gly (NM_001410991.1); short protein forms S760G.
Identifiers: ClinVar variation 2635140 (VCV002635140.1), dbSNP rs2540798816, ClinGen allele CA374625171.